The following is an entry in ClinVar:

NM_004006.3(DMD):c.848dup (p.Gln284fs)

Gene: DMD (dystrophin; minus strand). Cytogenetic location: Xp21.1.
Variant type: Duplication.
Coding change: c.848dup on transcript NM_004006.3 (MANE Select); coding-DNA position 848, one base duplicated (C; older notation c.848dupC).
Protein change: p.Gln284fs; shifts the reading frame from glutamine 284.
Molecular consequence: frameshift variant.
Genome position (GRCh38, 1-based): chrX:32,697,982, G duplicated on the plus strand (C on the coding strand, the reverse complement: DMD is on the minus strand). VCF-style (leftmost placement, unchanged base first): chrX-32697981-T-TG. GRCh37 (hg19) VCF-style: chrX-32716098-T-TG.
Other names: c.824dup, p.Gln276fs (NM_000109.4); c.836dup, p.Gln280fs (NM_004009.3); c.479dup, p.Gln161fs (NM_004010.3); short protein forms Q161fs, Q276fs, Q280fs, Q284fs.
Identifiers: ClinVar variation 1806403 (VCV001806403.1), dbSNP rs2521105410, ClinGen allele CA2580100739.

ClinVar aggregate classification (germline): Likely pathogenic (1 of 4 stars; one submission).

Conditions:
Duchenne muscular dystrophy (DMD). Also called: MUSCULAR DYSTROPHY, PSEUDOHYPERTROPHIC PROGRESSIVE, DUCHENNE TYPE; Duchenne Muscular Dystrophy (DMD). Identifiers: Orphanet 98896, MedGen C0013264, MONDO:0010679, OMIM 310200.

Submission:

Laboratory of Medical Genetics, National & Kapodistrian University of Athens
Classification: Likely pathogenic for Duchenne muscular dystrophy. Last evaluated: 2022-12-16. Review status: criteria provided, single submitter. Criteria: ACMG Guidelines, 2015. Collection method: clinical testing. Allele origin: germline. Affected: yes.
Comment: PVS1,PM2